The following is an entry in ClinVar:

NM_006946.4(SPTBN2):c.1121G>T (p.Ser374Ile)

Gene: SPTBN2 (spectrin beta, non-erythrocytic 2; minus strand). Cytogenetic location: 11q13.2.
Variant type: single nucleotide variant.
Coding change: c.1121G>T on transcript NM_006946.4 (MANE Select); coding-DNA position 1121, G replaced by T.
Protein change: p.Ser374Ile; replaces serine 374 with isoleucine.
Molecular consequence: missense variant.
Genome position (GRCh38, 1-based): chr11:66,708,972, C>A on the plus strand (G>T on the coding strand, the complement: SPTBN2 is on the minus strand). VCF-style: chr11-66708972-C-A. GRCh37 (hg19) VCF-style: chr11-66476443-C-A.
Other names: c.1142G>T, p.Ser381Ile (NM_001411025.1); short protein forms S374I, S381I.
Identifiers: ClinVar variation 2734018 (VCV002734018.3), dbSNP rs1941714443, ClinGen allele CA381481807.

ClinVar aggregate classification (germline): Pathogenic (1 of 4 stars; one submission).

Submission:

Labcorp Genetics (formerly Invitae), Labcorp
Classification: Pathogenic. Last evaluated: 2024-01-03. Review status: criteria provided, single submitter. Criteria: Invitae Variant Classification Sherloc (09022015). Collection method: clinical testing. Allele origin: germline.
Comment: This sequence change replaces serine, which is neutral and polar, with isoleucine, which is neutral and non-polar, at codon 374 of the SPTBN2 protein (p.Ser374Ile). This variant is not present in population databases (gnomAD no frequency). This missense change has been observed in individual(s) with clinical features of spinocerebellar ataxia (Invitae). In at least one individual the variant was observed to be de novo. Advanced modeling of protein sequence and biophysical properties (such as structural, functional, and spatial information, amino acid conservation, physicochemical variation, residue mobility, and thermodynamic stability) performed at Invitae indicates that this missense variant is expected to disrupt SPTBN2 protein function with a positive predictive value of 80%. For these reasons, this variant has been classified as Pathogenic.